The following is an entry in ClinVar:

NM_032608.7(MYO18B):c.1205C>T (p.Ser402Phe)

Gene: MYO18B (myosin XVIIIB; plus strand). Cytogenetic location: 22q12.1.
Variant type: single nucleotide variant.
Coding change: c.1205C>T on transcript NM_032608.7 (MANE Select); coding-DNA position 1205, C replaced by T.
Protein change: p.Ser402Phe; replaces serine 402 with phenylalanine.
Molecular consequence: missense variant.
Genome position (GRCh38, 1-based): chr22:25,769,121, C>T. VCF-style: chr22-25769121-C-T. GRCh37 (hg19) VCF-style: chr22-26165088-C-T.
Other names: c.1205C>T, p.Ser402Phe (NM_001318245.2); short protein forms S402F.
Identifiers: ClinVar variation 1483700 (VCV001483700.6), dbSNP rs1412735939, ClinGen allele CA411004373.
Genomic context (GRCh38, chr22:25,769,121, plus strand): 5'-CTGGGAAGGCAGGTGAGTCCTGGGATAAGAAGGAAAAGATGGGGCAACCCCAGGGTAAGT[C>T]CGGGAACGCAGGTGAAGCTCGGAGTCAGACAGAGAAGGGCTGTGAAGCCCCAAAGGAGGT-3'
Protein context (NP_115997.5, residues 392-412): KEKMGQPQGK[Ser402Phe]GNAGEARSQT

ClinVar aggregate classification (germline): Uncertain significance (1 of 4 stars; one submission).

Allele frequency attached by ClinVar (database versions not stated): gnomAD exomes below 0.00001.
gnomAD v4.1: 4 of 1,613,580 alleles (0.00025%); highest among the groups gnomAD compares: East Asian, 0.0089%; no homozygotes.

Submission:

Labcorp Genetics (formerly Invitae), Labcorp
Classification: Uncertain significance. Last evaluated: 2021-11-01. Review status: criteria provided, single submitter. Criteria: Invitae Variant Classification Sherloc (09022015). Collection method: clinical testing. Allele origin: germline.
Comment: This sequence change replaces serine with phenylalanine at codon 402 of the MYO18B protein (p.Ser402Phe). The serine residue is weakly conserved and there is a large physicochemical difference between serine and phenylalanine. In summary, the available evidence is currently insufficient to determine the role of this variant in disease. Therefore, it has been classified as a Variant of Uncertain Significance. Algorithms developed to predict the effect of missense changes on protein structure and function are either unavailable or do not agree on the potential impact of this missense change (SIFT: "Not Available"; PolyPhen-2: "Possibly Damaging"; Align-GVGD: "Not Available"). This variant has not been reported in the literature in individuals affected with MYO18B-related conditions. This variant is not present in population databases (gnomAD no frequency).